The following is an entry in ClinVar:

NM_001164508.2(NEB):c.6097G>A (p.Glu2033Lys)

Gene: NEB (nebulin; minus strand). Cytogenetic location: 2q23.3.
Variant type: single nucleotide variant.
Coding change: c.6097G>A on transcript NM_001164508.2 (MANE Select); coding-DNA position 6097, G replaced by A.
Protein change: p.Glu2033Lys; replaces glutamic acid 2033 with lysine.
Molecular consequence: missense variant.
Genome position (GRCh38, 1-based): chr2:151,658,069, C>T on the plus strand (G>A on the coding strand, the complement: NEB is on the minus strand). VCF-style: chr2-151658069-C-T. GRCh37 (hg19) VCF-style: chr2-152514583-C-T.
Other names: c.6097G>A, p.Glu2033Lys (NM_001164507.2, NM_001271208.2, NM_004543.5); c.6097G>A (NM_004543.4); short protein forms E2033K.
Identifiers: ClinVar variation 465623 (VCV000465623.18), dbSNP rs956309067, ClinGen allele CA57637499.

ClinVar aggregate classification (germline): Conflicting classifications of pathogenicity. Review status: criteria provided, conflicting classifications (1 of 4 stars). 6 submissions from 6 submitters: Uncertain significance (4); Likely benign (1). 1 of the submissions does not count toward it. Last evaluated 2026-03-23.

Conditions:
NEB-related disorder. Also called: NEB-Related Disorders; NEB-related condition.
Inborn genetic diseases. Identifiers: MedGen C0950123, MeSH D030342.
Nemaline myopathy 2 (NEM2). Also called: Nemaline myopathy 2, autosomal recessive. Identifiers: MedGen C1850569, MONDO:0009725, OMIM 256030.

Allele frequency attached by ClinVar (database versions not stated): gnomAD exomes 0.00001 and 0.00005; gnomAD 0.00007; TOPMed 0.00019.
gnomAD v4.1: 29 of 1,605,360 alleles (0.0018%); highest among the groups gnomAD compares: Admixed American, 0.049%; no homozygotes.

Submissions (6):

GeneDx
Classification: Uncertain significance. Last evaluated: 2026-03-23. Review status: criteria provided, single submitter. Criteria: GeneDx Variant Classification Process June 2021. Collection method: clinical testing. Allele origin: germline.
Comment: In silico analysis suggests that this missense variant does not alter protein structure/function; Has not been previously published as pathogenic or benign to our knowledge

Labcorp Genetics (formerly Invitae), Labcorp
Classification: Likely benign for Nemaline myopathy 2. Last evaluated: 2025-05-26. Review status: criteria provided, single submitter. Criteria: Invitae Variant Classification Sherloc (09022015). Collection method: clinical testing. Allele origin: germline.

PreventionGenetics, part of Exact Sciences
Classification: Uncertain significance for NEB-related condition. Last evaluated: 2025-05-07. Review status: criteria provided, single submitter. Criteria: ACMG Guidelines, 2015. Collection method: clinical testing. Allele origin: germline.
Comment: The NEB c.6097G>A variant is predicted to result in the amino acid substitution p.Glu2033Lys. To our knowledge, this variant has not been reported in the literature. This variant is reported in 0.039% of alleles in individuals of Latino descent in gnomAD. At this time, the clinical significance of this variant is uncertain due to the absence of conclusive functional and genetic evidence.

Ambry Genetics
Classification: Uncertain significance for Inborn genetic diseases. Last evaluated: 2024-12-04. Review status: criteria provided, single submitter. Criteria: Ambry Variant Classification Scheme 2023. Collection method: clinical testing. Allele origin: germline.

Revvity Omics, Revvity
Classification: Uncertain significance. Last evaluated: 2020-11-01. Review status: criteria provided, single submitter. Criteria: ACMG Guidelines, 2015. Collection method: clinical testing. Allele origin: germline.

Natera, Inc.
Classification: Uncertain significance for Nemaline myopathy type 2. Last evaluated: 2019-11-11. Review status: no assertion criteria provided. Collection method: clinical testing. Allele origin: germline. Not counted in ClinVar's aggregate classification.